The following is an entry in ClinVar:

ClinVar aggregate classification (germline): Conflicting classifications of pathogenicity. Review status: criteria provided, conflicting classifications (1 of 4 stars). 2 submissions from 2 submitters: Uncertain significance (1); Benign (1). Last evaluated 2025-12-10.

gnomAD v4.1: 335 of 1,614,076 alleles (0.021%); highest among the groups gnomAD compares: East Asian, 0.68%; 2 homozygotes.

Submissions (2):

Labcorp Genetics (formerly Invitae), Labcorp
Classification: Benign. Last evaluated: 2025-12-10. Review status: criteria provided, single submitter. Criteria: Invitae Variant Classification Sherloc (09022015). Collection method: clinical testing. Allele origin: germline.

GeneDx
Classification: Uncertain significance. Last evaluated: 2024-03-01. Review status: criteria provided, single submitter. Criteria: GeneDx Variant Classification Process June 2021. Collection method: clinical testing. Allele origin: germline.
Comment: In silico analysis supports that this missense variant does not alter protein structure/function; Has not been previously published as pathogenic or benign to our knowledge; Variants in candidate genes are classified as variants of uncertain significance in accordance with ACMG guidelines (PMID: 25741868)

NM_001377229.1(DISP1):c.287G>C (p.Ser96Thr)

Gene: DISP1 (dispatched RND transporter family member 1; plus strand). Cytogenetic location: 1q41.
Variant type: single nucleotide variant.
Coding change: c.287G>C on transcript NM_001377229.1 (MANE Select); coding-DNA position 287, G replaced by C.
Protein change: p.Ser96Thr; replaces serine 96 with threonine.
Molecular consequence: missense variant. On other transcripts: 5 prime UTR variant (1).
Genome position (GRCh38, 1-based): chr1:222,943,110, G>C. VCF-style: chr1-222943110-G-C. GRCh37 (hg19) VCF-style: chr1-223116452-G-C.
Other names: c.287G>C (NM_032890.3); c.-601G>C (NM_001350630.2); c.287G>C, p.Ser96Thr (NM_001369594.1, NM_001377228.1, NM_032890.5); short protein forms S96T.
Identifiers: ClinVar variation 4801072 (VCV004801072.2).